The following is an entry in ClinVar:

ClinVar aggregate classification (germline): Uncertain significance. Review status: criteria provided, multiple submitters, no conflicts (2 of 4 stars). 2 submissions from 2 submitters: Uncertain significance (2). Last evaluated 2026-03-27.

gnomAD v4.1: 2 of 1,614,190 alleles (0.00012%); highest among the groups gnomAD compares: Non-Finnish European, 0.000085%; no homozygotes.

Submissions (2):

GeneDx
Classification: Uncertain significance. Last evaluated: 2026-03-27. Review status: criteria provided, single submitter. Criteria: GeneDx Variant Classification Process June 2021. Collection method: clinical testing. Allele origin: germline.
Comment: Not observed at significant frequency in large population cohorts (gnomAD); In silico analysis supports that this missense variant has a deleterious effect on protein structure/function; Has not been previously published as pathogenic or benign to our knowledge; This variant is associated with the following publications: (PMID: 21520338, 31554319, 9590290)

Revvity Omics, Revvity
Classification: Uncertain significance. Last evaluated: 2022-03-17. Review status: criteria provided, single submitter. Criteria: ACMG Guidelines, 2015. Collection method: clinical testing. Allele origin: germline.

NM_005422.4(TECTA):c.4390T>G (p.Cys1464Gly)

Genes: TBCEL-TECTA (TBCEL-TECTA readthrough; plus strand), TECTA (tectorin alpha; plus strand). Cytogenetic location: 11q23.3.
Variant type: single nucleotide variant.
Coding change: c.4390T>G on transcript NM_005422.4 (MANE Select); coding-DNA position 4390, T replaced by G.
Protein change: p.Cys1464Gly; replaces cysteine 1464 with glycine.
Molecular consequence: missense variant.
Genome position (GRCh38, 1-based): chr11:121,157,925, T>G. VCF-style: chr11-121157925-T-G. GRCh37 (hg19) VCF-style: chr11-121028634-T-G.
Other names: c.5347T>G, p.Cys1783Gly (NM_001378761.1); short protein forms C1464G, C1783G.
Identifiers: ClinVar variation 2437030 (VCV002437030.4), dbSNP rs2496972817, ClinGen allele CA383026770.